The following is an entry in ClinVar:

NM_198965.2(PTHLH):c.23_24delinsCC (p.Gln8Pro)

Gene: PTHLH (parathyroid hormone like hormone; minus strand). Cytogenetic location: 12p11.22.
Variant type: Indel.
Coding change: c.23_24delinsCC on transcript NM_198965.2 (MANE Select); coding-DNA positions 23 to 24, AG replaced by CC.
Protein change: p.Gln8Pro; replaces glutamine 8 with proline.
Molecular consequence: missense variant.
Genome position (GRCh38, 1-based): chr12:27,969,471-27,969,472, CT replaced by GG on the plus strand (AG replaced by CC on the coding strand, the reverse complement: PTHLH is on the minus strand). VCF-style: chr12-27969471-CT-GG. GRCh37 (hg19) VCF-style: chr12-28122404-CT-GG.
Other names: c.23_24delinsCC, p.Gln8Pro (NM_002820.3, NM_198964.2, NM_198966.2); short protein forms Q8P.
Identifiers: ClinVar variation 2831037 (VCV002831037.3), dbSNP rs2539971639, ClinGen allele CA2739271902.

ClinVar aggregate classification (germline): Uncertain significance (1 of 4 stars; one submission).

Submission:

Labcorp Genetics (formerly Invitae), Labcorp
Classification: Uncertain significance. Last evaluated: 2023-01-22. Review status: criteria provided, single submitter. Criteria: Invitae Variant Classification Sherloc (09022015). Collection method: clinical testing. Allele origin: germline.
Comment: In summary, the available evidence is currently insufficient to determine the role of this variant in disease. Therefore, it has been classified as a Variant of Uncertain Significance. An algorithm developed to predict the effect of missense changes on protein structure and function (PolyPhen-2) suggests that this variant is likely to be disruptive. This variant has not been reported in the literature in individuals affected with PTHLH-related conditions. Information on the frequency of this variant in the gnomAD database is not available, as this variant may be reported differently in the database. This sequence change replaces glutamine, which is neutral and polar, with proline, which is neutral and non-polar, at codon 8 of the PTHLH protein (p.Gln8Pro).